The following is an entry in ClinVar:

NM_006397.3(RNASEH2A):c.703C>T (p.Arg235Trp)

Gene: RNASEH2A (ribonuclease H2 subunit A; plus strand). Cytogenetic location: 19p13.13.
Variant type: single nucleotide variant.
Coding change: c.703C>T on transcript NM_006397.3 (MANE Select); coding-DNA position 703, C replaced by T.
Protein change: p.Arg235Trp; replaces arginine 235 with tryptophan.
Molecular consequence: missense variant.
Genome position (GRCh38, 1-based): chr19:12,813,148, C>T. VCF-style: chr19-12813148-C-T. GRCh37 (hg19) VCF-style: chr19-12923962-C-T.
Other names: short protein forms R235W.
Identifiers: ClinVar variation 645703 (VCV000645703.9), dbSNP rs773112247, ClinGen allele CA9232011.

ClinVar aggregate classification (germline): Conflicting classifications of pathogenicity. Review status: criteria provided, conflicting classifications (1 of 4 stars). 5 submissions from 5 submitters: Likely pathogenic (2); Uncertain significance (3). Last evaluated 2026-08-06.

Conditions:
Aicardi-Goutieres syndrome 4. Identifiers: Orphanet 51, MedGen C1835912, MONDO:0012472, OMIM 610333.

Allele frequency attached by ClinVar (database versions not stated): ExAC 0.00002; gnomAD exomes 0.00001 and 0.00002; gnomAD 0.00002; TOPMed 0.00005.

Submissions (5):

OLLIN Analises Genomicas, OLLIN
Classification: Likely pathogenic for Aicardi-Goutieres syndrome 4. Last evaluated: 2026-08-06. Review status: criteria provided, single submitter. Criteria: ACMG Guidelines 2015 PMID 25741868. Collection method: clinical testing. Allele origin: germline. Inheritance: Autosomal recessive inheritance.
Comment: This missense variant, located in exon 7 (of 8), has been reported in ClinVar (accession VCV000645703.7), in gnomAD with an allele frequency of 0.00099%, and in the scientific literature, in compound heterozygosity, in individuals with RNASEH2A related disorders (PMID: 24300241). In silico analysis predicts that this variant has a deleterious effect. Another pathogenic variant affecting the same amino acid residue has been reported. According to the currently available evidence, this variant has been classified as likely pathogenic (PM2_P, PM3, PM5, PP3_M).

Blueprint Genetics
Classification: Uncertain significance. Last evaluated: 2024-08-02. Review status: criteria provided, single submitter. Criteria: ACMG Guidelines, 2015. Collection method: clinical testing. Allele origin: germline.

Fulgent Genetics
Classification: Likely pathogenic for Aicardi-Goutieres syndrome 4. Last evaluated: 2024-06-24. Review status: criteria provided, single submitter. Criteria: ACMG Guidelines, 2015. Collection method: clinical testing. Allele origin: germline.

Women's Health and Genetics/Laboratory Corporation of America, LabCorp
Classification: Uncertain significance. Last evaluated: 2024-05-15. Review status: criteria provided, single submitter. Criteria: LabCorp Variant Classification Summary - May 2015. Collection method: clinical testing. Allele origin: germline.
Comment: Variant summary: RNASEH2A c.703C>T (p.Arg235Trp) results in a non-conservative amino acid change in the encoded protein sequence. Five of five in-silico tools predict a damaging effect of the variant on protein function. The variant allele was found at a frequency of 1.6e-05 in 251106 control chromosomes. c.703C>T has been reported in the literature in the presumed compound heterozygous state in at least 2 individuals affected with Aicardi Goutieres Syndrome, including at least 1 individual who carried a pathogenic variant in trans (example, Abe_2014, Armangue_2017, Onizawa_2021). These data indicate that the variant may be associated with disease. To our knowledge, no experimental evidence demonstrating an impact on protein function has been reported. The following publications have been ascertained in the context of this evaluation (PMID: 24300241, 28739201, 33165593). ClinVar contains an entry for this variant (Variation ID: 645703). Based on the evidence outlined above, the variant was classified as VUS-possibly pathogenic.

Labcorp Genetics (formerly Invitae), Labcorp
Classification: Uncertain significance for Aicardi-Goutieres syndrome 4. Last evaluated: 2022-06-06. Review status: criteria provided, single submitter. Criteria: Invitae Variant Classification Sherloc (09022015). Collection method: clinical testing. Allele origin: germline.
Comment: This sequence change replaces arginine, which is basic and polar, with tryptophan, which is neutral and slightly polar, at codon 235 of the RNASEH2A protein (p.Arg235Trp). This variant is present in population databases (rs773112247, gnomAD 0.007%). This missense change has been observed in individual(s) with Aicardi-Goutieres syndrome (PMID: 24300241). ClinVar contains an entry for this variant (Variation ID: 645703). Algorithms developed to predict the effect of missense changes on protein structure and function (SIFT, PolyPhen-2, Align-GVGD) all suggest that this variant is likely to be disruptive. In summary, the available evidence is currently insufficient to determine the role of this variant in disease. Therefore, it has been classified as a Variant of Uncertain Significance.

Literature cited by the submitters: PubMed 24300241 (cited by 3 submitters); PubMed 28739201 (cited by Women's Health and Genetics/Laboratory Corporation of America, LabCorp); PubMed 33165593 (cited by Women's Health and Genetics/Laboratory Corporation of America, LabCorp).